The following is an entry in ClinVar:

NM_003079.5(SMARCE1):c.477G>T (p.Gln159His)

Gene: SMARCE1 (SWI/SNF related BAF chromatin remodeling complex subunit E1; minus strand). Cytogenetic location: 17q21.2.
Variant type: single nucleotide variant.
Coding change: c.477G>T on transcript NM_003079.5 (MANE Select); coding-DNA position 477, G replaced by T.
Protein change: p.Gln159His; replaces glutamine 159 with histidine.
Molecular consequence: missense variant.
Genome position (GRCh38, 1-based): chr17:40,635,995, C>A on the plus strand (G>T on the coding strand, the complement: SMARCE1 is on the minus strand). VCF-style: chr17-40635995-C-A. GRCh37 (hg19) VCF-style: chr17-38792247-C-A.
Other names: short protein forms Q159H.
Identifiers: ClinVar variation 3958587 (VCV003958587.1).

ClinVar aggregate classification (germline): Uncertain significance (1 of 4 stars; one submission).

Conditions:
Hereditary cancer-predisposing syndrome. Also called: Tumor predisposition; Hereditary neoplastic syndrome; Hereditary Cancer Syndrome; Neoplastic Syndromes, Hereditary. Identifiers: Orphanet 140162, MedGen C0027672, MeSH D009386, MONDO:0015356.

Submission:

Ambry Genetics
Classification: Uncertain significance for Hereditary cancer-predisposing syndrome. Last evaluated: 2025-03-17. Review status: criteria provided, single submitter. Criteria: Ambry Variant Classification Scheme 2023. Collection method: clinical testing. Allele origin: germline.
Comment: The p.Q159H variant (also known as c.477G>T), located in coding exon 6 of the SMARCE1 gene, results from a G to T substitution at nucleotide position 477. The glutamine at codon 159 is replaced by histidine, an amino acid with highly similar properties. This amino acid position is conserved. In addition, this alteration is predicted to be tolerated by in silico analysis. Based on the available evidence, the clinical significance of this variant remains unclear.